The following is an entry in ClinVar:

ClinVar aggregate classification (germline): Likely benign (1 of 4 stars; one submission).

Conditions:
Osteogenesis imperfecta type 13. Also called: OI, TYPE XIII; Osteogenesis imperfecta, type xiii. Identifiers: Orphanet 666, MedGen C3553887, MONDO:0013924, OMIM 614856.

Allele frequency attached by ClinVar (database versions not stated): gnomAD exomes 0.00393; gnomAD 0.02062 and 0.02217; 1000 Genomes Project 0.02276; 1000 Genomes Project 30x 0.02295; TOPMed 0.02402.
gnomAD v4.1: 3,226 of 179,808 alleles (1.8%); highest among the groups gnomAD compares: African/African-American, 6.8%; 105 homozygotes.

Submission:

Illumina Laboratory Services, Illumina
Classification: Likely benign for Osteogenesis imperfecta type 13. Last evaluated: 2017-04-28. Review status: criteria provided, single submitter. Criteria: ICSL Variant Classification Criteria 13 December 2019. Collection method: clinical testing. Allele origin: germline.
Comment: This variant was observed as part of a predisposition screen in an ostensibly healthy population. A literature search was performed for the gene, cDNA change, and amino acid change (where applicable). No publications were found based on this search. Allele frequency data from public databases allowed determination this variant is unlikely to cause disease. Therefore, this variant is classified as likely benign.

NM_006129.5(BMP1):c.*444C>T

Gene: BMP1 (bone morphogenetic protein 1; plus strand). Cytogenetic location: 8p21.3.
Variant type: single nucleotide variant.
Coding change: c.*444C>T on transcript NM_006129.5 (MANE Select); 444 bases downstream of the stop codon, C replaced by T.
Molecular consequence: 3 prime UTR variant. On other transcripts: non-coding transcript variant (1).
Genome position (GRCh38, 1-based): chr8:22,212,172, C>T. VCF-style: chr8-22212172-C-T. GRCh37 (hg19) VCF-style: chr8-22069685-C-T.
Identifiers: ClinVar variation 362612 (VCV000362612.5), dbSNP rs73670384, ClinGen allele CA10625215.